The following is an entry in ClinVar:

ClinVar aggregate classification (germline): Uncertain significance (1 of 4 stars; one submission).

Conditions:
Inborn genetic diseases. Identifiers: MedGen C0950123, MeSH D030342.

Submission:

Ambry Genetics
Classification: Uncertain significance for Inborn genetic diseases. Last evaluated: 2024-12-20. Review status: criteria provided, single submitter. Criteria: Ambry Variant Classification Scheme 2023. Collection method: clinical testing. Allele origin: germline.
Comment: The p.M160V variant (also known as c.478A>G), located in coding exon 5 of the FANCA gene, results from an A to G substitution at nucleotide position 478. The methionine at codon 160 is replaced by valine, an amino acid with highly similar properties. This amino acid position is conserved. In addition, this alteration is predicted to be tolerated by in silico analysis. Based on the available evidence, the clinical significance of this variant remains unclear.

NM_000135.4(FANCA):c.478A>G (p.Met160Val)

Gene: FANCA (FA complementation group A; minus strand). Cytogenetic location: 16q24.3.
Variant type: single nucleotide variant.
Coding change: c.478A>G on transcript NM_000135.4 (MANE Select); coding-DNA position 478, A replaced by G.
Protein change: p.Met160Val; replaces methionine 160 with valine.
Molecular consequence: missense variant. On other transcripts: intron variant (1).
Genome position (GRCh38, 1-based): chr16:89,810,751, T>C on the plus strand (A>G on the coding strand, the complement: FANCA is on the minus strand). VCF-style: chr16-89810751-T-C. GRCh37 (hg19) VCF-style: chr16-89877159-T-C.
Other names: c.478A>G, p.Met160Val (NM_001018112.3, NM_001286167.3); c.426+178A>G (NM_001351830.2); short protein forms M160V.
Identifiers: ClinVar variation 3512748 (VCV003512748.2).
Genomic context (GRCh38, chr16:89,810,751, plus strand): 5'-GCAATCTCAAATTTACCTGTATTTTCCATAATTCTTGACAGAAGGAAAGACGGGAGAACA[T>C]ACTGTGTGCCAATAAATACTGAGCAAACTCTAACAGGGAAGACAGCTTCTTCTGAAAAGA-3'
Protein context (NP_000126.2, residues 150-170): EFAQYLLAHS[Met160Val]FSRLSFCQEL